The following is an entry in ClinVar:

NM_182961.4(SYNE1):c.25589G>A (p.Arg8530His)

Gene: SYNE1 (spectrin repeat containing nuclear envelope protein 1; minus strand). Cytogenetic location: 6q25.2.
Variant type: single nucleotide variant.
Coding change: c.25589G>A on transcript NM_182961.4 (MANE Select); coding-DNA position 25589, G replaced by A.
Protein change: p.Arg8530His; replaces arginine 8530 with histidine.
Molecular consequence: missense variant.
Genome position (GRCh38, 1-based): chr6:152,136,688, C>T on the plus strand (G>A on the coding strand, the complement: SYNE1 is on the minus strand). VCF-style: chr6-152136688-C-T. GRCh37 (hg19) VCF-style: chr6-152457823-C-T.
Other names: c.2195G>A, p.Arg732His (NM_001347701.2); c.2123G>A, p.Arg708His (NM_001347702.2); c.25445G>A, p.Arg8482His (NM_033071.5); c.25589G>A (NM_182961.2); short protein forms R708H, R732H, R8482H, R8530H.
Identifiers: ClinVar variation 2152379 (VCV002152379.5), dbSNP rs368250997, ClinGen allele CA4052791.

ClinVar aggregate classification (germline): Uncertain significance. Review status: criteria provided, multiple submitters, no conflicts (2 of 4 stars). 2 submissions from 2 submitters: Uncertain significance (2). Last evaluated 2024-01-17.

Conditions:
Autosomal recessive ataxia, Beauce type. Also called: SYNE1-Related Autosomal Recessive Cerebellar Ataxia; Spinocerebellar ataxia, autosomal recessive 8; ATAXIA, RECESSIVE, OF BEAUCE; SYNE1 Deficiency. Identifiers: Orphanet 88644, MedGen C1853116, MONDO:0012549, OMIM 610743.
Emery-Dreifuss muscular dystrophy 4, autosomal dominant (EDMD4). Also called: EMERY-DREIFUSS MUSCULAR DYSTROPHY 4 WITH VARIABLE FEATURES. Identifiers: Orphanet 261, MedGen C2751807, MONDO:0013071, OMIM 612998.

Allele frequency attached by ClinVar (database versions not stated): gnomAD 0.00003; ESP Exome Variant Server 0.00008; TOPMed 0.00008.
gnomAD v4.1: 33 of 1,614,114 alleles (0.002%); highest among the groups gnomAD compares: South Asian, 0.013%; no homozygotes.

Submissions (2):

Labcorp Genetics (formerly Invitae), Labcorp
Classification: Uncertain significance for Emery-Dreifuss muscular dystrophy 4, autosomal dominant; Autosomal recessive ataxia, Beauce type. Last evaluated: 2024-01-17. Review status: criteria provided, single submitter. Criteria: Invitae Variant Classification Sherloc (09022015). Collection method: clinical testing. Allele origin: germline.
Comment: This sequence change replaces arginine, which is basic and polar, with histidine, which is basic and polar, at codon 8482 of the SYNE1 protein (p.Arg8482His). This variant is present in population databases (rs368250997, gnomAD 0.02%). This variant has not been reported in the literature in individuals affected with SYNE1-related conditions. ClinVar contains an entry for this variant (Variation ID: 2152379). An algorithm developed to predict the effect of missense changes on protein structure and function (PolyPhen-2) suggests that this variant is likely to be tolerated. In summary, the available evidence is currently insufficient to determine the role of this variant in disease. Therefore, it has been classified as a Variant of Uncertain Significance.

Athena Diagnostics
Classification: Uncertain significance. Last evaluated: 2023-10-27. Review status: criteria provided, single submitter. Criteria: Athena Diagnostics Criteria. Collection method: clinical testing. Allele origin: unknown.
Comment: Available data are insufficient to determine the clinical significance of the variant at this time. The frequency of this variant in the general population is uninformative in assessment of its pathogenicity. Computational tools predict that this variant is damaging.